The following is an entry in ClinVar:

NM_020975.6(RET):c.550A>G (p.Thr184Ala)

Gene: RET (ret proto-oncogene; plus strand). Cytogenetic location: 10q11.21.
Variant type: single nucleotide variant.
Coding change: c.550A>G on transcript NM_020975.6 (MANE Select); coding-DNA position 550, A replaced by G.
Protein change: p.Thr184Ala; replaces threonine 184 with alanine.
Molecular consequence: missense variant.
Genome position (GRCh38, 1-based): chr10:43,102,554, A>G. VCF-style: chr10-43102554-A-G. GRCh37 (hg19) VCF-style: chr10-43598002-A-G.
Other names: c.550A>G, p.Thr184Ala (NM_000323.2, NM_001406743.1, NM_001406744.1 and 16 more transcripts); c.421A>G, p.Thr141Ala (NM_001406761.1, NM_001406762.1, NM_001406764.1 and 4 more transcripts); short protein forms T184A, T141A.
Identifiers: ClinVar variation 486341 (VCV000486341.11), dbSNP rs753301491, ClinGen allele CA376543455.
Genomic context (GRCh38, chr10:43,102,554, plus strand): 5'-GAGCTCTGCTTCCCAGAGACAAGGCCCTCCTTCCGCATTCGGGAGAACCGACCCCCAGGC[A>G]CCTTCCACCAGTTCCGCCTGCTGCCTGTGCAGTTCTTGTGCCCCAACATCAGCGTGGCCT-3'
Protein context (NP_066124.1, residues 174-194): FRIRENRPPG[Thr184Ala]FHQFRLLPVQ

ClinVar aggregate classification (germline): Uncertain significance. Review status: criteria provided, multiple submitters, no conflicts (2 of 4 stars). 2 submissions from 2 submitters: Uncertain significance (2). Last evaluated 2022-08-24.

Conditions:
Hereditary cancer-predisposing syndrome. Also called: Tumor predisposition; Hereditary Cancer Syndrome; Hereditary neoplastic syndrome; Neoplastic Syndromes, Hereditary. Identifiers: Orphanet 140162, MedGen C0027672, MeSH D009386, MONDO:0015356.
Multiple endocrine neoplasia, type 2 (MEN2). Identifiers: Orphanet 653, MedGen C4048306, MONDO:0019003. Disease mechanism: gain of function.

Submissions (2):

Ambry Genetics
Classification: Uncertain significance for Hereditary cancer-predisposing syndrome. Last evaluated: 2022-08-24. Review status: criteria provided, single submitter. Criteria: Ambry Variant Classification Scheme 2023. Collection method: clinical testing. Allele origin: germline.
Comment: The p.T184A variant (also known as c.550A>G), located in coding exon 3 of the RET gene, results from an A to G substitution at nucleotide position 550. The threonine at codon 184 is replaced by alanine, an amino acid with similar properties. This amino acid position is highly conserved in available vertebrate species. In addition, this alteration is predicted to be tolerated by in silico analysis. Since supporting evidence is limited at this time, the clinical significance of this alteration remains unclear.

Labcorp Genetics (formerly Invitae), Labcorp
Classification: Uncertain significance for Multiple endocrine neoplasia, type 2. Last evaluated: 2021-11-13. Review status: criteria provided, single submitter. Criteria: Invitae Variant Classification Sherloc (09022015). Collection method: clinical testing. Allele origin: germline.
Comment: ClinVar contains an entry for this variant (Variation ID: 486341). In summary, the available evidence is currently insufficient to determine the role of this variant in disease. Therefore, it has been classified as a Variant of Uncertain Significance. Algorithms developed to predict the effect of missense changes on protein structure and function (SIFT, PolyPhen-2, Align-GVGD) all suggest that this variant is likely to be tolerated. This variant has not been reported in the literature in individuals affected with RET-related conditions. This variant is not present in population databases (gnomAD no frequency). This sequence change replaces threonine, which is neutral and polar, with alanine, which is neutral and non-polar, at codon 184 of the RET protein (p.Thr184Ala).